The following is an entry in ClinVar:

NM_001145358.2(SIN3A):c.3118_3119del (p.Gln1040fs)

Gene: SIN3A (SIN3 transcription regulator family member A; minus strand). Cytogenetic location: 15q24.2.
Variant type: Microsatellite.
Coding change: c.3118_3119del on transcript NM_001145358.2 (MANE Select); coding-DNA positions 3118 to 3119, 2 bases deleted (CA; older notation c.3118_3119delCA).
Protein change: p.Gln1040fs; shifts the reading frame from glutamine 1040.
Molecular consequence: frameshift variant.
Genome position (GRCh38, 1-based): chr15:75,384,340-75,384,341, TG deleted on the plus strand (CA on the coding strand, the reverse complement: SIN3A is on the minus strand); deleting any 2 consecutive bases within chr15:75,384,340-75,384,346 gives the same sequence; the c. name uses the placement nearest the transcript's 3' end. VCF-style (leftmost placement, unchanged base first): chr15-75384339-CTG-C. GRCh37 (hg19) VCF-style: chr15-75676680-CTG-C.
Other names: c.3118_3119del, p.Gln1040fs (NM_001145357.2, NM_015477.3); short protein forms Q1040fs.
Identifiers: ClinVar variation 431101 (VCV000431101.3), dbSNP rs1135401768, ClinGen allele CA645373013.

ClinVar aggregate classification (germline): Pathogenic (1 of 4 stars; one submission).

Conditions:
SIN3A-related intellectual disability syndrome due to a point mutation. Also called: 15q24 Microdeletion Syndrome; WITTEVEEN-KOLK SYNDROME. Identifiers: Orphanet 500166, Orphanet 94065, MedGen C4310804, MONDO:0044700, OMIM 613406.

Submission:

Institute of Human Genetics, FAU Erlangen, Friedrich-Alexander-Universität Erlangen-Nürnberg
Classification: Pathogenic for SIN3A-related intellectual disability syndrome due to a point mutation. Last evaluated: 2017-08-01. Review status: criteria provided, single submitter. Criteria: ACMG Guidelines, 2015. Collection method: clinical testing. Allele origin: unknown. Inheritance: Sporadic. Affected: yes. Observed: 1 variant allele, 1 heterozygote.